The following is an entry in ClinVar:

ClinVar aggregate classification (germline): Pathogenic (1 of 4 stars; one submission).

Conditions:
Cardiomyopathy (CMYO). Also called: Cardiomyopathies. Identifiers: Orphanet 167848, MedGen C0878544, MONDO:0004994, HP:0001638. Inheritance: Various modes of inheritance.

Submission:

Color Diagnostics, LLC DBA Color Health
Classification: Pathogenic for Cardiomyopathy. Last evaluated: 2019-07-20. Review status: criteria provided, single submitter. Criteria: ACMG Guidelines, 2015. Collection method: clinical testing. Allele origin: germline.
Comment: This variant changes 1 nucleotide in exon 5 of the PKP2 gene, creating a premature translation stop signal. This variant is expected to result in an absent protein product. Computational splicing tools suggest that this variant may not impact RNA splicing. To our knowledge, functional assays have not been performed for this variant nor has this variant been reported in individuals affected with cardiovascular disorders in the literature. This variant has not been identified in the general population by the Genome Aggregation Database (gnomAD). A different nucleotide change that results in the same protein effect (c.1369_1372delCAAA) has been reported in multiple families affected with arrhythmogenic right ventricular cardiomyopathy (PMID: 25820315). Loss of PKP2 function is a known mechanism of disease. Based on available evidence, this variant is classified as Pathogenic.

NM_001005242.3(PKP2):c.1369C>T (p.Gln457Ter)

Gene: PKP2 (plakophilin 2; minus strand). Cytogenetic location: 12p11.21.
Variant type: single nucleotide variant.
Coding change: c.1369C>T on transcript NM_001005242.3 (MANE Select); coding-DNA position 1369, C replaced by T.
Protein change: p.Gln457Ter; replaces glutamine 457 with a stop codon.
Molecular consequence: nonsense.
Genome position (GRCh38, 1-based): chr12:32,850,775, G>A on the plus strand (C>T on the coding strand, the complement: PKP2 is on the minus strand). VCF-style: chr12-32850775-G-A. GRCh37 (hg19) VCF-style: chr12-33003709-G-A.
Other names: c.1369C>T, p.Gln457Ter (NM_004572.4); short protein forms Q457*.
Identifiers: ClinVar variation 927629 (VCV000927629.3), dbSNP rs1956688410, ClinGen allele CA384369554.